The following is an entry in ClinVar:

ClinVar aggregate classification (germline): Uncertain significance (1 of 4 stars; one submission).

Submission:

Labcorp Genetics (formerly Invitae), Labcorp
Classification: Uncertain significance. Last evaluated: 2025-09-02. Review status: criteria provided, single submitter. Criteria: Invitae Variant Classification Sherloc (09022015). Collection method: clinical testing. Allele origin: germline.
Comment: This sequence change replaces glutamic acid, which is acidic and polar, with glycine, which is neutral and non-polar, at codon 925 of the CELSR2 protein (p.Glu925Gly). This variant is not present in population databases (gnomAD no frequency). This variant has not been reported in the literature in individuals affected with CELSR2-related conditions. ClinVar contains an entry for this variant (Variation ID: 1364842). Invitae Evidence Modeling of protein sequence and biophysical properties (such as structural, functional, and spatial information, amino acid conservation, physicochemical variation, residue mobility, and thermodynamic stability) has been performed for this missense variant. However, the output from this modeling did not meet the statistical confidence thresholds required to predict the impact of this variant on CELSR2 protein function. In summary, the available evidence is currently insufficient to determine the role of this variant in disease. Therefore, it has been classified as a Variant of Uncertain Significance.

NM_001408.3(CELSR2):c.2774A>G (p.Glu925Gly)

Gene: CELSR2 (cadherin EGF LAG seven-pass G-type receptor 2; plus strand). Cytogenetic location: 1p13.3.
Variant type: single nucleotide variant.
Coding change: c.2774A>G on transcript NM_001408.3 (MANE Select); coding-DNA position 2774, A replaced by G.
Protein change: p.Glu925Gly; replaces glutamic acid 925 with glycine.
Molecular consequence: missense variant.
Genome position (GRCh38, 1-based): chr1:109,252,853, A>G. VCF-style: chr1-109252853-A-G. GRCh37 (hg19) VCF-style: chr1-109795475-A-G.
Other names: short protein forms E925G.
Identifiers: ClinVar variation 1364842 (VCV001364842.6), dbSNP rs1655735844, ClinGen allele CA341490382.